The following is an entry in ClinVar:

NC_012920.1(MT-CO1):m.6456G>A

Gene: MT-CO1 (mitochondrially encoded cytochrome c oxidase I; plus strand).
Variant type: single nucleotide variant.
Genome position: chrM-6456-G-A.
Identifiers: ClinVar variation 692650 (VCV000692650.1), dbSNP rs1603220483, ClinGen allele CA414784115.

ClinVar aggregate classification (germline): Benign (1 of 4 stars; one submission).

Conditions:
Leigh syndrome (NULS). Also called: Leigh's necrotizing encephalopathy; Leigh's disease; Leigh Syndrome (mtDNA deletion); Leigh Disease; Subacute necrotizing encephalopathy; Necrotizing encephalopathy infantile subacute of Leigh. Identifiers: Orphanet 506, MedGen C2931891, MONDO:0009723, OMIM 256000.

Submission:

Wong Mito Lab, Molecular and Human Genetics, Baylor College of Medicine
Classification: Benign for Leigh syndrome. Last evaluated: 2019-10-17. Review status: criteria provided, single submitter. Criteria: Modified ACMG Guidelines (Unpublished). Collection method: clinical testing. Allele origin: germline.
Comment: The NC_012920.1:m.6456G>A (YP_003024028.1:p.Val185Ile) variant in MTCO1 gene is interpretated to be a Benign variant based on the modified ACMG guidelines (unpublished). This variant meets the following evidence codes: BS1, BS4, BP4